The following is an entry in ClinVar:

NM_003922.4(HERC1):c.13187C>T (p.Thr4396Met)

Gene: HERC1 (HECT and RLD domain containing E3 ubiquitin protein ligase family member 1; minus strand). Cytogenetic location: 15q22.31.
Variant type: single nucleotide variant.
Coding change: c.13187C>T on transcript NM_003922.4 (MANE Select); coding-DNA position 13187, C replaced by T.
Protein change: p.Thr4396Met; replaces threonine 4396 with methionine.
Molecular consequence: missense variant.
Genome position (GRCh38, 1-based): chr15:63,626,073, G>A on the plus strand (C>T on the coding strand, the complement: HERC1 is on the minus strand). VCF-style: chr15-63626073-G-A. GRCh37 (hg19) VCF-style: chr15-63918272-G-A.
Other names: short protein forms T4396M.
Identifiers: ClinVar variation 1896897 (VCV001896897.2), dbSNP rs775930285, ClinGen allele CA7603799.

ClinVar aggregate classification (germline): Uncertain significance (1 of 4 stars; one submission).

Allele frequency attached by ClinVar (database versions not stated): gnomAD 0.00001; TOPMed 0.00003; ExAC 0.00006.
gnomAD v4.1: 33 of 1,613,476 alleles (0.002%); highest among the groups gnomAD compares: South Asian, 0.011%; no homozygotes.

Submission:

Labcorp Genetics (formerly Invitae), Labcorp
Classification: Uncertain significance. Last evaluated: 2022-02-28. Review status: criteria provided, single submitter. Criteria: Invitae Variant Classification Sherloc (09022015). Collection method: clinical testing. Allele origin: germline.
Comment: This sequence change replaces threonine, which is neutral and polar, with methionine, which is neutral and non-polar, at codon 4396 of the HERC1 protein (p.Thr4396Met). This variant is present in population databases (rs775930285, gnomAD 0.01%). This variant has not been reported in the literature in individuals affected with HERC1-related conditions. Algorithms developed to predict the effect of missense changes on protein structure and function (SIFT, PolyPhen-2, Align-GVGD) all suggest that this variant is likely to be disruptive. In summary, the available evidence is currently insufficient to determine the role of this variant in disease. Therefore, it has been classified as a Variant of Uncertain Significance.